The following is an entry in ClinVar:

ClinVar aggregate classification (germline): Benign/Likely benign. Review status: criteria provided, multiple submitters, no conflicts (2 of 4 stars). 2 submissions from 2 submitters: Benign (1); Likely benign (1). Last evaluated 2019-10-17.

Conditions:
Leigh syndrome (NULS). Also called: Leigh Syndrome (mtDNA deletion); Leigh's syndrome; LEIGH SYNDROME, NUCLEAR; Leigh Disease; Subacute necrotizing encephalopathy; Necrotizing encephalopathy infantile subacute of Leigh. Identifiers: Orphanet 506, MedGen C2931891, MONDO:0009723, OMIM 256000.

Submissions (2):

Wong Mito Lab, Molecular and Human Genetics, Baylor College of Medicine
Classification: Benign for Leigh syndrome. Last evaluated: 2019-10-17. Review status: criteria provided, single submitter. Criteria: Modified ACMG Guidelines (Unpublished). Collection method: clinical testing. Allele origin: germline.
Comment: The NC_012920.1:m.8527A>G (YP_003024031.1:p.Met1Val) variant in MTATP6 gene is interpretated to be a Benign variant based on the modified ACMG guidelines (unpublished). This variant meets the following evidence codes: BS1, BS2

Center for Pediatric Genomic Medicine, Children's Mercy Hospital and Clinics
Classification: Likely benign. Last evaluated: 2016-03-18. Review status: criteria provided, single submitter. Criteria: ACMG Guidelines, 2015. Collection method: clinical testing. Allele origin: germline.
ClinVar note: Converted during submission from Likely Benign to Likely benign.

Literature cited by the submitters: PubMed 14697245 (cited by Wong Mito Lab, Molecular and Human Genetics, Baylor College of Medicine); PubMed 26993169 (cited by Wong Mito Lab, Molecular and Human Genetics, Baylor College of Medicine).

NC_012920.1(MT-ATP8):m.8527A>G

Genes: MT-ATP8 (mitochondrially encoded ATP synthase 8; plus strand), MT-ATP6 (mitochondrially encoded ATP synthase 6; plus strand).
Variant type: single nucleotide variant.
Genome position: chrM-8527-A-G.
Identifiers: ClinVar variation 235294 (VCV000235294.4), dbSNP rs878853003, ClinGen allele CA10581268.
Genomic context (GRCh38, chrMT:8,527, plus strand): 5'-CCTACCTCCCTCACCAAAGCCCATAAAAATAAAAAATTATAACAAACCCTGAGAACCAAA[A>G]TGAACGAAAATCTGTTCGCTTCATTCATTGCCCCCACAATCCTAGGCCTACCCGCCGCAG-3'